The following is an entry in ClinVar:

NM_025137.4(SPG11):c.6785AAC[1] (p.Gln2263del)

Gene: SPG11 (SPG11 vesicle trafficking associated, spatacsin; minus strand). Cytogenetic location: 15q21.1.
Variant type: Microsatellite.
Coding change: c.6785AAC[1] on transcript NM_025137.4 (MANE Select); one copy of the 3-base unit AAC starting at c.6785; the reference has two copies in a row; one copy, 3 bases deleted.
Protein change: p.Gln2263del; deletes glutamine 2263.
Molecular consequence: inframe deletion.
Genome position (GRCh38, 1-based): chr15:44,566,270-44,566,272, GTT deleted on the plus strand (AAC on the coding strand, the reverse complement: SPG11 is on the minus strand); deleting any 3 consecutive bases within chr15:44,566,270-44,566,275 gives the same sequence; the position shown is the placement nearest the transcript's 3' end. VCF-style (leftmost placement, unchanged base first): chr15-44566269-AGTT-A. GRCh37 (hg19) VCF-style: chr15-44858467-AGTT-A.
Other names: c.6446AAC[1], p.Gln2150del (NM_001160227.2); short protein forms Q2150del, Q2263del.
Identifiers: ClinVar variation 1321714 (VCV001321714.2), dbSNP rs1384234762, ClinGen allele CA618005881.

ClinVar aggregate classification (germline): Uncertain significance (1 of 4 stars; one submission).

Submission:

GeneDx
Classification: Uncertain significance. Last evaluated: 2021-11-04. Review status: criteria provided, single submitter. Criteria: GeneDx Variant Classification Process June 2021. Collection method: clinical testing. Allele origin: germline. Affected: yes.
Comment: Not observed at a significant frequency in large population cohorts (Lek et al., 2016); In-frame deletion of 1 amino acid in a non-repeat region; In silico analysis supports a deleterious effect on protein structure/function; Has not been previously published as pathogenic or benign to our knowledge